The following is an entry in ClinVar:

ClinVar aggregate classification (germline): Benign. Review status: criteria provided, multiple submitters, no conflicts (2 of 4 stars). 2 submissions from 2 submitters: Benign (2). Last evaluated 2018-01-13.

Conditions:
Occult macular dystrophy (OCMD). Also called: OMD; OCCULT MACULAR DYSTROPHY, SUSCEPTIBILITY TO. Identifiers: Orphanet 247834, MedGen C3150833, MONDO:0013316, OMIM 613587, HP:0030636.

Allele frequency attached by ClinVar (database versions not stated): gnomAD exomes 0.00075 and 0.00185; ExAC 0.00228; TOPMed 0.00807; 1000 Genomes Project 30x 0.00828; ESP Exome Variant Server 0.00843; 1000 Genomes Project 0.00919; gnomAD 0.00996 and 0.01088.
gnomAD v4.1: 2,188 of 1,521,344 alleles (0.14%); highest among the groups gnomAD compares: African/African-American, 3.2%; 20 homozygotes.

Submissions (2):

Illumina Laboratory Services, Illumina
Classification: Benign for Occult macular dystrophy. Last evaluated: 2018-01-13. Review status: criteria provided, single submitter. Criteria: ICSL Variant Classification Criteria 13 December 2019. Collection method: clinical testing. Allele origin: germline.
Comment: This variant was observed in the ICSL laboratory as part of a predisposition screen in an ostensibly healthy population. It had not been previously curated by ICSL or reported in the Human Gene Mutation Database (HGMD: prior to June 1st, 2018), and was therefore a candidate for classification through an automated scoring system. Utilizing variant allele frequency, disease prevalence and penetrance estimates, and inheritance mode, an automated score was calculated to assess if this variant is too frequent to cause the disease. Based on the score and internal cut-off values, a variant classified as benign is not then subjected to further curation. The score for this variant resulted in a classification of benign for this disease.

Breakthrough Genomics
Classification: Benign. Review status: criteria provided, single submitter. Criteria: ACMG Guidelines, 2015. Collection method: not provided. Allele origin: germline. Inheritance: Autosomal recessive inheritance. Affected: yes.

NM_178857.6(RP1L1):c.5761A>C (p.Ser1921Arg)

Gene: RP1L1 (RP1 like 1). Cytogenetic location: 8p23.1.
Variant type: single nucleotide variant.
Coding change: c.5761A>C on transcript NM_178857.6 (MANE Select); coding-DNA position 5761, A replaced by C.
Protein change: p.Ser1921Arg; replaces serine 1921 with arginine.
Molecular consequence: missense variant.
Genome position (GRCh38, 1-based): chr8:10,608,337, T>G on the plus strand (A>C on the coding strand, the complement: RP1L1 is on the minus strand). VCF-style: chr8-10608337-T-G. GRCh37 (hg19) VCF-style: chr8-10465847-T-G.
Other names: short protein forms S1921R.
Identifiers: ClinVar variation 361240 (VCV000361240.6), dbSNP rs149704659, ClinGen allele CA4623547.